The following is an entry in ClinVar:

ClinVar aggregate classification (germline): Uncertain significance (1 of 4 stars; one submission).

Conditions:
Werner syndrome (WRN). Identifiers: Orphanet 902, MedGen C0043119, MONDO:0010196, OMIM 277700.

Submission:

Labcorp Genetics (formerly Invitae), Labcorp
Classification: Uncertain significance for Werner syndrome. Last evaluated: 2024-05-29. Review status: criteria provided, single submitter. Criteria: Invitae Variant Classification Sherloc (09022015). Collection method: clinical testing. Allele origin: germline.
Comment: This sequence change replaces isoleucine, which is neutral and non-polar, with threonine, which is neutral and polar, at codon 1348 of the WRN protein (p.Ile1348Thr). This variant is not present in population databases (gnomAD no frequency). This variant has not been reported in the literature in individuals affected with WRN-related conditions. An algorithm developed to predict the effect of missense changes on protein structure and function (PolyPhen-2) suggests that this variant is likely to be disruptive. In summary, the available evidence is currently insufficient to determine the role of this variant in disease. Therefore, it has been classified as a Variant of Uncertain Significance.

NM_000553.6(WRN):c.4043T>C (p.Ile1348Thr)

Gene: WRN (WRN RecQ like helicase; plus strand). Cytogenetic location: 8p12.
Variant type: single nucleotide variant.
Coding change: c.4043T>C on transcript NM_000553.6 (MANE Select); coding-DNA position 4043, T replaced by C.
Protein change: p.Ile1348Thr; replaces isoleucine 1348 with threonine.
Molecular consequence: missense variant.
Genome position (GRCh38, 1-based): chr8:31,167,082, T>C. VCF-style: chr8-31167082-T-C. GRCh37 (hg19) VCF-style: chr8-31024598-T-C.
Other names: short protein forms I1348T.
Identifiers: ClinVar variation 2731160 (VCV002731160.3), dbSNP rs760417225, ClinGen allele CA370908977.
Genomic context (GRCh38, chr8:31,167,082, plus strand): 5'-ATATGAGTAAAATTAGCCTAATCAGAATGTTAGTTCCTGAAAACATTGACACGTACCTTA[T>C]CCACATGGCAATTGAGATCCTTAAACATGGTCCTGACAGCGGACTTCAACCTTCATGTGA-3'
Protein context (NP_000544.2, residues 1338-1358): LVPENIDTYL[Ile1348Thr]HMAIEILKHG